The following is an entry in ClinVar:

NM_001048174.2(MUTYH):c.409G>A (p.Ala137Thr)

Gene: MUTYH (mutY DNA glycosylase; minus strand). Cytogenetic location: 1p34.1.
Variant type: single nucleotide variant.
Coding change: c.409G>A on transcript NM_001048174.2 (MANE Select); coding-DNA position 409, G replaced by A.
Protein change: p.Ala137Thr; replaces alanine 137 with threonine.
Molecular consequence: missense variant. On other transcripts: non-coding transcript variant (2).
Genome position (GRCh38, 1-based): chr1:45,332,929, C>T on the plus strand (G>A on the coding strand, the complement: MUTYH is on the minus strand). VCF-style: chr1-45332929-C-T. GRCh37 (hg19) VCF-style: chr1-45798601-C-T.
Other names: c.409G>A, p.Ala137Thr (NM_001048171.2, NM_001048173.2, NM_001293195.2); c.412G>A, p.Ala138Thr (NM_001048172.2); c.493G>A, p.Ala165Thr (NM_001128425.2); c.454G>A, p.Ala152Thr (NM_001293190.2); c.442G>A, p.Ala148Thr (NM_001293191.2); c.133G>A, p.Ala45Thr (NM_001293192.2, NM_001293196.2); c.64G>A, p.Ala22Thr (NM_001350650.2, NM_001350651.2); c.484G>A, p.Ala162Thr (NM_012222.3); short protein forms A165T, A151T, A45T, A138T, A137T, A148T, A152T, A162T.
Identifiers: ClinVar variation 185959 (VCV000185959.34), dbSNP rs201103359, ClinGen allele CA013670.

ClinVar aggregate classification (germline): Uncertain significance. Review status: criteria provided, multiple submitters, no conflicts (2 of 4 stars). 13 submissions from 13 submitters: Uncertain significance (12). 1 of the submissions does not count toward it. Last evaluated 2026-01-10.

Conditions:
MUTYH-related disorder. Also called: MUTYH-related condition; MUTYH-related disorders.
Hereditary cancer-predisposing syndrome. Also called: Neoplastic Syndromes, Hereditary; Tumor predisposition; Hereditary neoplastic syndrome; Hereditary Cancer Syndrome. Identifiers: Orphanet 140162, MedGen C0027672, MeSH D009386, MONDO:0015356.
Familial adenomatous polyposis 2. Also called: MUTYH Polyposis; ADENOMAS, MULTIPLE COLORECTAL, AUTOSOMAL RECESSIVE; MYH-associated polyposis; FAP type 2; Adenomas, multiple colorectal; MUTYH-related attenuated familial adenomatous polyposis. Identifiers: Orphanet 220460, Orphanet 247798, MedGen C3272841, MONDO:0012041, OMIM 608456.

Allele frequency attached by ClinVar (database versions not stated): gnomAD 0.00001 and 0.00002; gnomAD exomes 0.00002 and 0.00004; TOPMed 0.00002; ExAC 0.00005; 1000 Genomes Project 30x 0.00016; 1000 Genomes Project 0.00020.
gnomAD v4.1: 30 of 1,614,164 alleles (0.0019%); highest among the groups gnomAD compares: East Asian, 0.018%; no homozygotes.

Submissions 1 to 8 of 13:

Labcorp Genetics (formerly Invitae), Labcorp
Classification: Uncertain significance for Familial adenomatous polyposis 2. Last evaluated: 2026-01-10. Review status: criteria provided, single submitter. Criteria: Invitae Variant Classification Sherloc (09022015). Collection method: clinical testing. Allele origin: germline.
Comment: This sequence change replaces alanine, which is neutral and non-polar, with threonine, which is neutral and polar, at codon 165 of the MUTYH protein (p.Ala165Thr). This variant is present in population databases (rs201103359, gnomAD 0.03%). This missense change has been observed in individual(s) with MUTYH-related conditions (PMID: 31159747). ClinVar contains an entry for this variant (Variation ID: 185959). An algorithm developed to predict the effect of missense changes on protein structure and function (PolyPhen-2) suggests that this variant is likely to be disruptive. In summary, the available evidence is currently insufficient to determine the role of this variant in disease. Therefore, it has been classified as a Variant of Uncertain Significance.

PreventionGenetics, part of Exact Sciences
Classification: Uncertain significance for MUTYH-related condition. Last evaluated: 2025-06-13. Review status: criteria provided, single submitter. Criteria: ACMG Guidelines, 2015. Collection method: clinical testing. Allele origin: germline.
Comment: The MUTYH c.493G>A variant is predicted to result in the amino acid substitution p.Ala165Thr. This variant has been reported in individuals with breast cancer, an individual with renal clear cell carcinoma, an individual with colon cancer, and an individual undergoing hereditary cancer genetic testing (Supplement, Tung et al. 2015. PubMed ID: 25186627; Supplementary Data 12, Lu et al. 2015. PubMed ID: 26689913; Table S1, referred to as p.A162T, Raskin et al. 2017. PubMed ID: 29212164; Table S2, Wang et al. 2019. PubMed ID: 30982232; Table S5, Tsaousis et al, 2019. PubMed ID: 31159747). This variant is reported in 0.035% of alleles in individuals of East Asian descent in gnomAD and is interpreted as uncertain in ClinVar. At this time, the clinical significance of this variant is uncertain due to the absence of conclusive functional and genetic evidence.

Ambry Genetics
Classification: Uncertain significance for Hereditary cancer-predisposing syndrome. Last evaluated: 2025-04-11. Review status: criteria provided, single submitter. Criteria: Ambry Variant Classification Scheme 2023. Collection method: clinical testing. Allele origin: germline.
Comment: The p.A165T variant (also known as c.493G>A), located in coding exon 6 of the MUTYH gene, results from a G to A substitution at nucleotide position 493. The alanine at codon 165 is replaced by threonine, an amino acid with similar properties. This amino acid position is highly conserved in available vertebrate species. In addition, this alteration is predicted to be deleterious by in silico analysis. Since supporting evidence is limited at this time, the clinical significance of this alteration remains unclear.

Quest Diagnostics Nichols Institute San Juan Capistrano
Classification: Uncertain significance. Last evaluated: 2024-11-04. Review status: criteria provided, single submitter. Criteria: Quest Diagnostics criteria. Collection method: clinical testing. Allele origin: unknown.
Comment: The MUTYH c.493G>A (p.Ala165Thr) variant has been reported in the published literature in individuals with colon cancer (PMID: 29212164 (2017)), breast and/or ovarian cancer (PMIDs: 25186627 (2015), 30982232 (2019), 31159747 (2019), 33471991 (2021), see LOVD), renal cell carcinoma (PMID: 26689913 (2015)), and biliary tract cancer (PMID: 36243179 (2022)). This variant has also been identified in reportedly healthy individuals (PMIDs: 36243179 (2022), 33471991 (2021), see LOVD). The frequency of this variant in the general population, 0.00035 (7/19944 chromosomes (Genome Aggregation Database)), is uninformative in the assessment of its pathogenicity. Analysis of this variant using bioinformatics tools for the prediction of the effect of amino acid changes on protein structure and function yielded predictions that this variant is damaging. Based on the available information, we are unable to determine the clinical significance of this variant.

All of Us Research Program, National Institutes of Health
Classification: Uncertain significance for Familial adenomatous polyposis 2. Last evaluated: 2024-08-06. Review status: criteria provided, single submitter. Criteria: ACMG Guidelines, 2015. Collection method: clinical testing. Allele origin: germline. Inheritance: Autosomal recessive inheritance. Observed: 4 variant alleles, 4 heterozygotes.
Comment: This missense variant replaces alanine with threonine at codon 165 of the MUTYH protein. Computational prediction suggests that this variant may have deleterious impact on protein structure and function (internally defined REVEL score threshold >= 0.7, PMID: 27666373). To our knowledge, functional studies have not been performed for this variant. This variant has been reported in individuals affected with breast cancer and kidney renal clear cell carcinoma (PMID: 25186627, 26689913, 33471991). This variant has been detected in a breast cancer case-control meta-analysis in 4/60466 breast cancer cases and 11/53461 controls (PMID: 33471991). This variant has also been identified in 12/281892 chromosomes in the general population by the Genome Aggregation Database (gnomAD). The available evidence is insufficient to determine the role of this variant in disease conclusively. Therefore, this variant is classified as a Variant of Uncertain Significance.

This study involves interpretation of variants in research participants for the purpose of population health screening. Participant phenotype was not available at the time of variant classification. Additional details can be found in publication PMID: 35346344, PMCID: PMC8962531

Baylor Genetics
Classification: Uncertain significance for Familial adenomatous polyposis 2. Last evaluated: 2024-03-19. Review status: criteria provided, single submitter. Criteria: ACMG Guidelines, 2015. Collection method: clinical testing. Allele origin: unknown.

Color Diagnostics, LLC DBA Color Health
Classification: Uncertain significance for Hereditary cancer-predisposing syndrome. Last evaluated: 2023-04-17. Review status: criteria provided, single submitter. Criteria: ACMG Guidelines, 2015. Collection method: clinical testing. Allele origin: germline.
Comment: This missense variant replaces alanine with threonine at codon 165 of the MUTYH protein. Computational prediction suggests that this variant may have deleterious impact on protein structure and function (internally defined REVEL score threshold >= 0.7, PMID: 27666373). To our knowledge, functional studies have not been performed for this variant. This variant has been reported in individuals affected with breast cancer and kidney renal clear cell carcinoma (PMID: 25186627, 26689913, 33471991). This variant has been detected in a breast cancer case-control meta-analysis in 4/60466 breast cancer cases and 11/53461 controls (PMID: 33471991). This variant has also been identified in 12/281892 chromosomes in the general population by the Genome Aggregation Database (gnomAD). The available evidence is insufficient to determine the role of this variant in disease conclusively. Therefore, this variant is classified as a Variant of Uncertain Significance.

Institute for Biomarker Research, Medical Diagnostic Laboratories, L.L.C.
Classification: Uncertain significance for Hereditary cancer-predisposing syndrome. Last evaluated: 2023-04-11. Review status: criteria provided, single submitter. Criteria: ACMG Guidelines, 2015. Collection method: clinical testing. Allele origin: germline.